The following is an entry in ClinVar:

NM_032776.3(JMJD1C):c.4397T>G (p.Val1466Gly)

Gene: JMJD1C (jumonji domain containing 1C; minus strand). Cytogenetic location: 10q21.3.
Variant type: single nucleotide variant.
Coding change: c.4397T>G on transcript NM_032776.3 (MANE Select); coding-DNA position 4397, T replaced by G.
Protein change: p.Val1466Gly; replaces valine 1466 with glycine.
Molecular consequence: missense variant. On other transcripts: non-coding transcript variant (1).
Genome position (GRCh38, 1-based): chr10:63,207,272, A>C on the plus strand (T>G on the coding strand, the complement: JMJD1C is on the minus strand). VCF-style: chr10-63207272-A-C. GRCh37 (hg19) VCF-style: chr10-64967032-A-C.
Other names: c.4397T>G (NM_032776.1); c.3851T>G, p.Val1284Gly (NM_001282948.2, NM_001318154.2); c.3533T>G, p.Val1178Gly (NM_001318153.2); c.4283T>G, p.Val1428Gly (NM_001322252.2); c.3740T>G, p.Val1247Gly (NM_001322254.2, NM_001322258.2); short protein forms V1247G, V1284G, V1428G, V1466G, V1178G.
Identifiers: ClinVar variation 2728227 (VCV002728227.2), dbSNP rs750024925, ClinGen allele CA5518275.

ClinVar aggregate classification (germline): Uncertain significance. Review status: criteria provided, multiple submitters, no conflicts (2 of 4 stars). 2 submissions from 2 submitters: Uncertain significance (2). Last evaluated 2024-07-17.

Conditions:
Early Myoclonic Encephalopathy. Identifiers: MedGen C0270855.

Allele frequency attached by ClinVar (database versions not stated): gnomAD 0.00001; gnomAD exomes 0.00002; TOPMed 0.00002; ExAC 0.00001.
gnomAD v4.1: 30 of 1,613,822 alleles (0.0019%); highest among the groups gnomAD compares: South Asian, 0.0088%; no homozygotes.

Submissions (2):

Ambry Genetics
Classification: Uncertain significance. Last evaluated: 2024-07-17. Review status: criteria provided, single submitter. Criteria: Ambry Variant Classification Scheme 2023. Collection method: clinical testing. Allele origin: germline.

Labcorp Genetics (formerly Invitae), Labcorp
Classification: Uncertain significance for Early Myoclonic Encephalopathy. Last evaluated: 2023-11-15. Review status: criteria provided, single submitter. Criteria: Invitae Variant Classification Sherloc (09022015). Collection method: clinical testing. Allele origin: germline.
Comment: This sequence change replaces valine, which is neutral and non-polar, with glycine, which is neutral and non-polar, at codon 1466 of the JMJD1C protein (p.Val1466Gly). This variant is present in population databases (rs750024925, gnomAD 0.0009%). This variant has not been reported in the literature in individuals affected with JMJD1C-related conditions. Advanced modeling of protein sequence and biophysical properties (such as structural, functional, and spatial information, amino acid conservation, physicochemical variation, residue mobility, and thermodynamic stability) performed at Invitae indicates that this missense variant is not expected to disrupt JMJD1C protein function with a negative predictive value of 80%. In summary, the available evidence is currently insufficient to determine the role of this variant in disease. Therefore, it has been classified as a Variant of Uncertain Significance.